The following is an entry in ClinVar:

ClinVar aggregate classification (germline): Uncertain significance (1 of 4 stars; one submission).

Allele frequency attached by ClinVar (database versions not stated): TOPMed below 0.00001; gnomAD exomes 0.00001.
gnomAD v4.1: 10 of 1,612,828 alleles (0.00062%); highest among the groups gnomAD compares: East Asian, 0.0022%; no homozygotes.

Submission:

Women's Health and Genetics/Laboratory Corporation of America, LabCorp
Classification: Uncertain significance. Last evaluated: 2023-12-21. Review status: criteria provided, single submitter. Criteria: LabCorp Variant Classification Summary - May 2015. Collection method: clinical testing. Allele origin: germline.
Comment: Variant summary: KCNC3 c.965C>T (p.Thr322Met) results in a non-conservative amino acid change located in the Ion transport domain (IPR005821) of the encoded protein sequence. Five of five in-silico tools predict a damaging effect of the variant on protein function. The variant allele was found at a frequency of 4e-06 in 250570 control chromosomes. The available data on variant occurrences in the general population are insufficient to allow any conclusion about variant significance. To our knowledge, no occurrence of c.965C>T in individuals affected with Spinocerebellar Ataxia Type 13 and no experimental evidence demonstrating its impact on protein function have been reported. No submitters have cited clinical-significance assessments for this variant to ClinVar after 2014. Based on the evidence outlined above, the variant was classified as uncertain significance.

NM_004977.3(KCNC3):c.965C>T (p.Thr322Met)

Gene: KCNC3 (potassium voltage-gated channel subfamily C member 3; minus strand). Cytogenetic location: 19q13.33.
Variant type: single nucleotide variant.
Coding change: c.965C>T on transcript NM_004977.3 (MANE Select); coding-DNA position 965, C replaced by T.
Protein change: p.Thr322Met; replaces threonine 322 with methionine.
Molecular consequence: missense variant.
Genome position (GRCh38, 1-based): chr19:50,323,988, G>A on the plus strand (C>T on the coding strand, the complement: KCNC3 is on the minus strand). VCF-style: chr19-50323988-G-A. GRCh37 (hg19) VCF-style: chr19-50827245-G-A.
Other names: c.737C>T, p.Thr246Met (NM_001372305.1); short protein forms T246M, T322M.
Identifiers: ClinVar variation 2691369 (VCV002691369.1), dbSNP rs1177963201, ClinGen allele CA406953106.